The following is an entry in ClinVar:

NM_031220.4(PITPNM3):c.1622G>A (p.Arg541His)

Gene: PITPNM3 (PITPNM family member 3; minus strand). Cytogenetic location: 17p13.2.
Variant type: single nucleotide variant.
Coding change: c.1622G>A on transcript NM_031220.4 (MANE Select); coding-DNA position 1622, G replaced by A.
Protein change: p.Arg541His; replaces arginine 541 with histidine.
Molecular consequence: missense variant.
Genome position (GRCh38, 1-based): chr17:6,471,163, C>T on the plus strand (G>A on the coding strand, the complement: PITPNM3 is on the minus strand). VCF-style: chr17-6471163-C-T. GRCh37 (hg19) VCF-style: chr17-6374483-C-T.
Other names: c.1514G>A, p.Arg505His (NM_001165966.2); short protein forms R505H, R541H.
Identifiers: ClinVar variation 1360268 (VCV001360268.9), dbSNP rs201356209, ClinGen allele CA8329458.

ClinVar aggregate classification (germline): Conflicting classifications of pathogenicity. Review status: criteria provided, conflicting classifications (1 of 4 stars). 2 submissions from 2 submitters: Uncertain significance (1); Likely benign (1). Last evaluated 2024-11-03.

Submissions (2):

Labcorp Genetics (formerly Invitae), Labcorp
Classification: Uncertain significance. Last evaluated: 2024-11-03. Review status: criteria provided, single submitter. Criteria: Invitae Variant Classification Sherloc (09022015). Collection method: clinical testing. Allele origin: germline.
Comment: This sequence change replaces arginine, which is basic and polar, with histidine, which is basic and polar, at codon 541 of the PITPNM3 protein (p.Arg541His). This variant is present in population databases (rs201356209, gnomAD 0.02%). This variant has not been reported in the literature in individuals affected with PITPNM3-related conditions. ClinVar contains an entry for this variant (Variation ID: 1360268). An algorithm developed to predict the effect of missense changes on protein structure and function outputs the following: PolyPhen-2: "Benign". The histidine amino acid residue is found in multiple mammalian species, which suggests that this missense change does not adversely affect protein function. In summary, the available evidence is currently insufficient to determine the role of this variant in disease. Therefore, it has been classified as a Variant of Uncertain Significance.

Blueprint Genetics
Classification: Likely benign. Last evaluated: 2023-10-25. Review status: criteria provided, single submitter. Criteria: ACMG Guidelines, 2015. Collection method: clinical testing. Allele origin: germline.